The following is an entry in ClinVar:

NM_001009944.3(PKD1):c.9356A>G (p.Lys3119Arg)

Gene: PKD1 (polycystin 1, transient receptor potential channel interacting; minus strand). Cytogenetic location: 16p13.3.
Variant type: single nucleotide variant.
Coding change: c.9356A>G on transcript NM_001009944.3 (MANE Select); coding-DNA position 9356, A replaced by G.
Protein change: p.Lys3119Arg; replaces lysine 3119 with arginine.
Molecular consequence: missense variant.
Genome position (GRCh38, 1-based): chr16:2,102,102, T>C on the plus strand (A>G on the coding strand, the complement: PKD1 is on the minus strand). VCF-style: chr16-2102102-T-C. GRCh37 (hg19) VCF-style: chr16-2152103-T-C.
Other names: c.9356A>G, p.Lys3119Arg (NM_000296.4); short protein forms K3119R.
Identifiers: ClinVar variation 3375804 (VCV003375804.2).

ClinVar aggregate classification (germline): Uncertain significance. Review status: criteria provided, multiple submitters, no conflicts (2 of 4 stars). 2 submissions from 2 submitters: Uncertain significance (2). Last evaluated 2024-05-07.

Conditions:
Polycystic kidney disease, adult type (PKD1). Also called: POLYCYSTIC KIDNEY DISEASE, ADULT, TYPE I; Polycystic Kidney Disease 1, Autosomal Dominant; Polycystic kidney disease 1; Polycystic kidney disease 1, severe; Polycystic Kidney, Autosomal Dominant; POLYCYSTIC KIDNEY DISEASE 1 WITH OR WITHOUT POLYCYSTIC LIVER DISEASE. Identifiers: MedGen C3149841, MONDO:0008263, OMIM 173900.

Submissions (2):

GeneDx
Classification: Uncertain significance. Last evaluated: 2024-05-07. Review status: criteria provided, single submitter. Criteria: GeneDx Variant Classification Process June 2021. Collection method: clinical testing. Allele origin: germline. Affected: yes.
Comment: Not observed at significant frequency in large population cohorts (gnomAD); In silico analysis supports a deleterious effect on splicing; In silico analysis indicates that this missense variant does not alter protein structure/function; Has not been previously published as pathogenic or benign to our knowledge

Department of Pathology and Laboratory Medicine, Sinai Health System
Classification: Uncertain significance for Polycystic kidney disease, adult type. Last evaluated: 2017-10-10. Review status: criteria provided, single submitter. Criteria: ACMG Guidelines, 2015. Collection method: clinical testing. Allele origin: germline. Affected: yes.